The following is an entry in ClinVar:

ClinVar aggregate classification (germline): Uncertain significance. Review status: criteria provided, multiple submitters, no conflicts (2 of 4 stars). 2 submissions from 2 submitters: Uncertain significance (2). Last evaluated 2024-09-27.

Conditions:
Inborn genetic diseases. Identifiers: MedGen C0950123, MeSH D030342.

Allele frequency attached by ClinVar (database versions not stated): gnomAD 0.00001 and 0.00002; gnomAD exomes 0.00001 and 0.00003; ExAC 0.00003; TOPMed 0.00005.
gnomAD v4.1: 22 of 1,600,998 alleles (0.0014%); highest among the groups gnomAD compares: Admixed American, 0.017%; no homozygotes.

Submissions (2):

Ambry Genetics
Classification: Uncertain significance for Inborn genetic diseases. Last evaluated: 2024-09-27. Review status: criteria provided, single submitter. Criteria: Ambry Variant Classification Scheme 2023. Collection method: clinical testing. Allele origin: germline.

Labcorp Genetics (formerly Invitae), Labcorp
Classification: Uncertain significance. Last evaluated: 2023-11-27. Review status: criteria provided, single submitter. Criteria: Invitae Variant Classification Sherloc (09022015). Collection method: clinical testing. Allele origin: germline.
Comment: This sequence change replaces threonine, which is neutral and polar, with isoleucine, which is neutral and non-polar, at codon 865 of the MYO5B protein (p.Thr865Ile). This variant is present in population databases (rs775815528, gnomAD 0.01%). This variant has not been reported in the literature in individuals affected with MYO5B-related conditions. ClinVar contains an entry for this variant (Variation ID: 1502163). Advanced modeling of protein sequence and biophysical properties (such as structural, functional, and spatial information, amino acid conservation, physicochemical variation, residue mobility, and thermodynamic stability) performed at Invitae indicates that this missense variant is not expected to disrupt MYO5B protein function with a negative predictive value of 80%. In summary, the available evidence is currently insufficient to determine the role of this variant in disease. Therefore, it has been classified as a Variant of Uncertain Significance.

NM_001080467.3(MYO5B):c.2594C>T (p.Thr865Ile)

Gene: MYO5B (myosin VB; minus strand). Cytogenetic location: 18q21.1.
Variant type: single nucleotide variant.
Coding change: c.2594C>T on transcript NM_001080467.3 (MANE Select); coding-DNA position 2594, C replaced by T.
Protein change: p.Thr865Ile; replaces threonine 865 with isoleucine.
Molecular consequence: missense variant.
Genome position (GRCh38, 1-based): chr18:49,902,811, G>A on the plus strand (C>T on the coding strand, the complement: MYO5B is on the minus strand). VCF-style: chr18-49902811-G-A. GRCh37 (hg19) VCF-style: chr18-47429181-G-A.
Other names: c.2594C>T (NM_001080467.2); short protein forms T865I.
Identifiers: ClinVar variation 1502163 (VCV001502163.5), dbSNP rs775815528, ClinGen allele CA8961000.